The following is an entry in ClinVar:

NM_001278116.2(L1CAM):c.1292C>A (p.Ala431Glu)

Gene: L1CAM (L1 cell adhesion molecule; minus strand). Cytogenetic location: Xq28.
Variant type: single nucleotide variant.
Coding change: c.1292C>A on transcript NM_001278116.2 (MANE Select); coding-DNA position 1292, C replaced by A.
Protein change: p.Ala431Glu; replaces alanine 431 with glutamic acid.
Molecular consequence: missense variant.
Genome position (GRCh38, 1-based): chrX:153,868,928, G>T on the plus strand (C>A on the coding strand, the complement: L1CAM is on the minus strand). VCF-style: chrX-153868928-G-T. GRCh37 (hg19) VCF-style: chrX-153134383-G-T.
Other names: c.1292C>A, p.Ala431Glu (NM_000425.5, NM_024003.3); c.1277C>A, p.Ala426Glu (NM_001143963.2); short protein forms A426E, A431E.
Identifiers: ClinVar variation 1309463 (VCV001309463.3), dbSNP rs782779421, ClinGen allele CA415128608.

ClinVar aggregate classification (germline): Uncertain significance. Review status: criteria provided, multiple submitters, no conflicts (2 of 4 stars). 2 submissions from 2 submitters: Uncertain significance (2). Last evaluated 2025-08-22.

Conditions:
Inborn genetic diseases. Identifiers: MedGen C0950123, MeSH D030342.

gnomAD v4.1: 1 of 1,210,249 alleles (0.000083%); highest among the groups gnomAD compares: Non-Finnish European, 0.00011%; no homozygotes.

Submissions (2):

Ambry Genetics
Classification: Uncertain significance for Inborn genetic diseases. Last evaluated: 2025-08-22. Review status: criteria provided, single submitter. Criteria: Ambry Variant Classification Scheme 2023. Collection method: clinical testing. Allele origin: germline.

GeneDx
Classification: Uncertain significance. Last evaluated: 2019-11-04. Review status: criteria provided, single submitter. Criteria: GeneDx Variant Classification Process June 2021. Collection method: clinical testing. Allele origin: germline. Affected: yes.
Comment: Not observed in large population cohorts (Lek et al., 2016); In silico analysis, which includes protein predictors and evolutionary conservation, supports that this variant does not alter protein structure/function; Has not been previously published as pathogenic or benign to our knowledge